The following is an entry in ClinVar:

ClinVar aggregate classification (germline): Uncertain significance. Review status: criteria provided, multiple submitters, no conflicts (2 of 4 stars). 2 submissions from 2 submitters: Uncertain significance (2). Last evaluated 2022-11-17.

Conditions:
Familial cancer of breast. Also called: BREAST CANCER, FAMILIAL; Hereditary breast cancer; hereditary breast carcinoma. Identifiers: Orphanet 227535, MedGen C0346153, MONDO:0016419, OMIM 114480. Disease mechanism: loss of function.

gnomAD v4.1: 1 of 1,614,230 alleles (0.000062%); highest among the groups gnomAD compares: Non-Finnish European, 0.000085%; no homozygotes.

Submissions (2):

Labcorp Genetics (formerly Invitae), Labcorp
Classification: Uncertain significance for Familial cancer of breast. Last evaluated: 2022-11-17. Review status: criteria provided, single submitter. Criteria: Invitae Variant Classification Sherloc (09022015). Collection method: clinical testing. Allele origin: germline.
Comment: In summary, the available evidence is currently insufficient to determine the role of this variant in disease. Therefore, it has been classified as a Variant of Uncertain Significance. Advanced modeling of protein sequence and biophysical properties (such as structural, functional, and spatial information, amino acid conservation, physicochemical variation, residue mobility, and thermodynamic stability) performed at Invitae indicates that this missense variant is not expected to disrupt PALB2 protein function. ClinVar contains an entry for this variant (Variation ID: 803233). This variant has not been reported in the literature in individuals affected with PALB2-related conditions. This variant is not present in population databases (gnomAD no frequency). This sequence change replaces threonine, which is neutral and polar, with alanine, which is neutral and non-polar, at codon 809 of the PALB2 protein (p.Thr809Ala).

Mendelics
Classification: Uncertain significance for Familial cancer of breast. Last evaluated: 2019-05-28. Review status: criteria provided, single submitter. Criteria: Mendelics Assertion Criteria 2017. Collection method: clinical testing. Allele origin: unknown.

NM_024675.4(PALB2):c.2425A>G (p.Thr809Ala)

Gene: PALB2 (partner and localizer of BRCA2; minus strand). Cytogenetic location: 16p12.2.
Variant type: single nucleotide variant.
Coding change: c.2425A>G on transcript NM_024675.4 (MANE Select); coding-DNA position 2425, A replaced by G.
Protein change: p.Thr809Ala; replaces threonine 809 with alanine.
Molecular consequence: missense variant.
Genome position (GRCh38, 1-based): chr16:23,629,729, T>C on the plus strand (A>G on the coding strand, the complement: PALB2 is on the minus strand). VCF-style: chr16-23629729-T-C. GRCh37 (hg19) VCF-style: chr16-23641050-T-C.
Other names: short protein forms T809A.
Identifiers: ClinVar variation 803233 (VCV000803233.7), dbSNP rs753204710, ClinGen allele CA395124310.